The following is an entry in ClinVar:

NM_015450.3(POT1):c.952T>C (p.Ser318Pro)

Gene: POT1 (protection of telomeres 1; minus strand). Cytogenetic location: 7q31.33.
Variant type: single nucleotide variant.
Coding change: c.952T>C on transcript NM_015450.3 (MANE Select); coding-DNA position 952, T replaced by C.
Protein change: p.Ser318Pro; replaces serine 318 with proline.
Molecular consequence: missense variant. On other transcripts: non-coding transcript variant (3).
Genome position (GRCh38, 1-based): chr7:124,846,996, A>G on the plus strand (T>C on the coding strand, the complement: POT1 is on the minus strand). VCF-style: chr7-124846996-A-G. GRCh37 (hg19) VCF-style: chr7-124487050-A-G.
Other names: c.559T>C, p.Ser187Pro (NM_001042594.2); short protein forms S187P, S318P.
Identifiers: ClinVar variation 3724352 (VCV003724352.2).

ClinVar aggregate classification (germline): Uncertain significance (1 of 4 stars; one submission).

Conditions:
Tumor predisposition syndrome 3 (TPDS3). Also called: Glioma susceptibility 9; LONG TELOMERE SYNDROME, POT1-RELATED; POT1 Tumor Predisposition; Melanoma, cutaneous malignant, susceptibility to, 10. Identifiers: Orphanet 618, MedGen C4014476, MONDO:0014368, OMIM 615848.

gnomAD v4.1: 1 of 1,603,024 alleles (0.000062%); highest among the groups gnomAD compares: Non-Finnish European, 0.000085%; no homozygotes.

Submission:

Labcorp Genetics (formerly Invitae), Labcorp
Classification: Uncertain significance for Tumor predisposition syndrome 3. Last evaluated: 2024-10-31. Review status: criteria provided, single submitter. Criteria: Invitae Variant Classification Sherloc (09022015). Collection method: clinical testing. Allele origin: germline.
Comment: This sequence change replaces serine, which is neutral and polar, with proline, which is neutral and non-polar, at codon 318 of the POT1 protein (p.Ser318Pro). This variant is not present in population databases (gnomAD no frequency). This variant has not been reported in the literature in individuals affected with POT1-related conditions. An algorithm developed to predict the effect of missense changes on protein structure and function (PolyPhen-2) suggests that this variant is likely to be disruptive. In summary, the available evidence is currently insufficient to determine the role of this variant in disease. Therefore, it has been classified as a Variant of Uncertain Significance.